The following is an entry in ClinVar:

NM_006662.3(SRCAP):c.8909C>G (p.Pro2970Arg)

Gene: SRCAP (Snf2 related CREBBP activator protein; plus strand). Cytogenetic location: 16p11.2.
Variant type: single nucleotide variant.
Coding change: c.8909C>G on transcript NM_006662.3 (MANE Select); coding-DNA position 8909, C replaced by G.
Protein change: p.Pro2970Arg; replaces proline 2970 with arginine.
Molecular consequence: missense variant.
Genome position (GRCh38, 1-based): chr16:30,738,949, C>G. VCF-style: chr16-30738949-C-G. GRCh37 (hg19) VCF-style: chr16-30750270-C-G.
Other names: short protein forms P2970R.
Identifiers: ClinVar variation 1716965 (VCV001716965.5), dbSNP rs1243927741, ClinGen allele CA395641796.

ClinVar aggregate classification (germline): Uncertain significance (1 of 4 stars; one submission).

Submission:

Labcorp Genetics (formerly Invitae), Labcorp
Classification: Uncertain significance. Last evaluated: 2022-08-19. Review status: criteria provided, single submitter. Criteria: Invitae Variant Classification Sherloc (09022015). Collection method: clinical testing. Allele origin: germline.
Comment: In summary, the available evidence is currently insufficient to determine the role of this variant in disease. Therefore, it has been classified as a Variant of Uncertain Significance. Algorithms developed to predict the effect of missense changes on protein structure and function are either unavailable or do not agree on the potential impact of this missense change (SIFT: "Deleterious"; PolyPhen-2: "Not Available"; Align-GVGD: "Class C0"). This variant has not been reported in the literature in individuals affected with SRCAP-related conditions. This variant is not present in population databases (gnomAD no frequency). This sequence change replaces proline, which is neutral and non-polar, with arginine, which is basic and polar, at codon 2970 of the SRCAP protein (p.Pro2970Arg).